The following is an entry in ClinVar:

NM_001048174.2(MUTYH):c.820G>T (p.Val274Leu)

Gene: MUTYH (mutY DNA glycosylase; minus strand). Cytogenetic location: 1p34.1.
Variant type: single nucleotide variant.
Coding change: c.820G>T on transcript NM_001048174.2 (MANE Select); coding-DNA position 820, G replaced by T.
Protein change: p.Val274Leu; replaces valine 274 with leucine.
Molecular consequence: missense variant. On other transcripts: non-coding transcript variant (2).
Genome position (GRCh38, 1-based): chr1:45,332,195, C>A on the plus strand (G>T on the coding strand, the complement: MUTYH is on the minus strand). VCF-style: chr1-45332195-C-A. GRCh37 (hg19) VCF-style: chr1-45797867-C-A.
Other names: c.820G>T, p.Val274Leu (NM_001048171.2, NM_001048173.2, NM_001293195.2); c.823G>T, p.Val275Leu (NM_001048172.2); c.904G>T, p.Val302Leu (NM_001128425.2); c.865G>T, p.Val289Leu (NM_001293190.2); c.853G>T, p.Val285Leu (NM_001293191.2); c.544G>T, p.Val182Leu (NM_001293192.2, NM_001293196.2); c.475G>T, p.Val159Leu (NM_001350650.2, NM_001350651.2); c.895G>T, p.Val299Leu (NM_012222.3); short protein forms V302L, V275L, V299L, V289L, V159L, V182L, V274L, V285L.
Identifiers: ClinVar variation 481791 (VCV000481791.23), dbSNP rs760889663, ClinGen allele CA340134380.

ClinVar aggregate classification (germline): Conflicting classifications of pathogenicity. Review status: criteria provided, conflicting classifications (1 of 4 stars). 7 submissions from 7 submitters: Uncertain significance (6); Likely benign (1). Last evaluated 2026-01-26.

Conditions:
Hereditary cancer-predisposing syndrome. Also called: Hereditary neoplastic syndrome; Hereditary Cancer Syndrome; Neoplastic Syndromes, Hereditary; Tumor predisposition. Identifiers: Orphanet 140162, MedGen C0027672, MeSH D009386, MONDO:0015356.
Familial adenomatous polyposis 2. Also called: MYH-associated polyposis; COLORECTAL ADENOMATOUS POLYPOSIS, AUTOSOMAL RECESSIVE; ADENOMAS, MULTIPLE COLORECTAL, AUTOSOMAL RECESSIVE; MUTYH-related attenuated familial adenomatous polyposis; Adenomas, multiple colorectal; FAP type 2. Identifiers: Orphanet 220460, Orphanet 247798, MedGen C3272841, MONDO:0012041, OMIM 608456.

Allele frequency attached by ClinVar (database versions not stated): gnomAD 0.00001; TOPMed 0.00002.
gnomAD v4.1: 7 of 1,614,108 alleles (0.00043%); highest among the groups gnomAD compares: African/African-American, 0.0013%; no homozygotes.

Submissions (7):

Labcorp Genetics (formerly Invitae), Labcorp
Classification: Uncertain significance for Familial adenomatous polyposis 2. Last evaluated: 2026-01-26. Review status: criteria provided, single submitter. Criteria: Invitae Variant Classification Sherloc (09022015). Collection method: clinical testing. Allele origin: germline.
Comment: This sequence change replaces valine, which is neutral and non-polar, with leucine, which is neutral and non-polar, at codon 302 of the MUTYH protein (p.Val302Leu). This variant is present in population databases (no rsID available, gnomAD 0.007%). This missense change has been observed in individual(s) with polyposis (internal data). In at least one individual the data is consistent with being in trans (on the opposite chromosome) from a pathogenic variant. ClinVar contains an entry for this variant (Variation ID: 481791). An algorithm developed to predict the effect of missense changes on protein structure and function (PolyPhen-2) suggests that this variant is likely to be tolerated. In summary, the available evidence is currently insufficient to determine the role of this variant in disease. Therefore, it has been classified as a Variant of Uncertain Significance.

Ambry Genetics
Classification: Likely benign for Hereditary cancer-predisposing syndrome. Last evaluated: 2025-09-09. Review status: criteria provided, single submitter. Criteria: Ambry Variant Classification Scheme 2023. Collection method: clinical testing. Allele origin: germline.

All of Us Research Program, National Institutes of Health
Classification: Uncertain significance for Familial adenomatous polyposis 2. Last evaluated: 2024-03-05. Review status: criteria provided, single submitter. Criteria: ACMG Guidelines, 2015. Collection method: clinical testing. Allele origin: germline. Inheritance: Autosomal recessive inheritance. Observed: 3 variant alleles, 3 heterozygotes.
Comment: This study involves interpretation of variants in research participants for the purpose of population health screening. Participant phenotype was not available at the time of variant classification. Additional details can be found in publication PMID: 35346344, PMCID: PMC8962531

Color Diagnostics, LLC DBA Color Health
Classification: Uncertain significance for Hereditary cancer-predisposing syndrome. Last evaluated: 2024-02-26. Review status: criteria provided, single submitter. Criteria: ACMG Guidelines, 2015. Collection method: clinical testing. Allele origin: germline.
Comment: This missense variant replaces valine with leucine at codon 302 of the MUTYH protein. Computational prediction suggests that this variant may not impact protein structure and function. To our knowledge, functional studies have not been reported for this variant. This variant has not been reported in individuals affected with MUTYH-related disorders in the literature. This variant has been identified in 2/251236 chromosomes in the general population by the Genome Aggregation Database (gnomAD). The available evidence is insufficient to determine the role of this variant in disease conclusively. Therefore, this variant is classified as a Variant of Uncertain Significance.

Baylor Genetics
Classification: Uncertain significance for Familial adenomatous polyposis 2. Last evaluated: 2023-08-14. Review status: criteria provided, single submitter. Criteria: ACMG Guidelines, 2015. Collection method: clinical testing. Allele origin: unknown.

GeneDx
Classification: Uncertain significance. Last evaluated: 2019-07-16. Review status: criteria provided, single submitter. Criteria: GeneDx Variant Classification Process June 2021. Collection method: clinical testing. Allele origin: germline. Affected: yes.
Comment: Not observed at a significant frequency in large population cohorts (Lek et al., 2016); In silico analysis, which includes protein predictors and evolutionary conservation, supports that this variant does not alter protein structure/function; This variant is associated with the following publications: (PMID: 25275298)

Women's Health and Genetics/Laboratory Corporation of America, LabCorp
Classification: Uncertain significance. Last evaluated: 2019-02-15. Review status: criteria provided, single submitter. Criteria: LabCorp Variant Classification Summary - May 2015. Collection method: clinical testing. Allele origin: germline.
Comment: Variant summary: MUTYH c.904G>T (p.Val302Leu) results in a conservative amino acid change in the encoded protein sequence. Four of five in-silico tools predict a benign effect of the variant on protein function. The variant allele was found at a frequency of 8.1e-06 in 246108 control chromosomes. The available data on variant occurrences in the general population are insufficient to allow any conclusion about variant significance. To our knowledge, no occurrence of c.904G>T in individuals affected with MUTYH-associated Polyposis and no experimental evidence demonstrating its impact on protein function have been reported. Two clinical diagnostic laboratories have submitted clinical-significance assessments for this variant to ClinVar after 2014 without evidence for independent evaluation. Both laboratories classified the variant as uncertain significance. Based on the evidence outlined above, the variant was classified as uncertain significance.

Literature cited by the submitters: PubMed 40738107 (cited by Ambry Genetics).